The following is an entry in ClinVar:

NM_004168.4(SDHA):c.1134G>A (p.Thr378=)

Gene: SDHA (succinate dehydrogenase complex flavoprotein subunit A; plus strand). Cytogenetic location: 5p15.33.
Variant type: single nucleotide variant.
Coding change: c.1134G>A on transcript NM_004168.4 (MANE Select); coding-DNA position 1134, G replaced by A.
Protein change: p.Thr378=; no amino-acid change (threonine 378 retained).
Molecular consequence: synonymous variant.
Genome position (GRCh38, 1-based): chr5:235,213, G>A. VCF-style: chr5-235213-G-A. GRCh37 (hg19) VCF-style: chr5-235328-G-A.
Other names: c.990G>A, p.Thr330= (NM_001294332.2); c.1134G>A, p.Thr378= (NM_001330758.2).
Identifiers: ClinVar variation 417253 (VCV000417253.16), dbSNP rs370002515, ClinGen allele CA16612055.

ClinVar aggregate classification (germline): Benign/Likely benign. Review status: criteria provided, multiple submitters, no conflicts (2 of 4 stars). 3 submissions from 3 submitters: Benign (1); Likely benign (2). Last evaluated 2026-01-13.

Conditions:
Mitochondrial complex II deficiency, nuclear type 1. Also called: SUCCINATE CoQ REDUCTASE DEFICIENCY. Identifiers: Orphanet 3208, MedGen C5700310, MONDO:0100294, OMIM 252011.
Pheochromocytoma/paraganglioma syndrome 5. Also called: SDHA-Related Hereditary Paraganglioma-Pheochromocytoma Syndrome; Paragangliomas 5. Identifiers: Orphanet 29072, MedGen C3279992, MONDO:0013602, OMIM 614165.
Hereditary cancer-predisposing syndrome. Also called: Neoplastic Syndromes, Hereditary; Hereditary Cancer Syndrome; Tumor predisposition; Hereditary neoplastic syndrome. Identifiers: Orphanet 140162, MedGen C0027672, MeSH D009386, MONDO:0015356.

Allele frequency attached by ClinVar (database versions not stated): gnomAD exomes below 0.00001; gnomAD 0.00001 and 0.00002; TOPMed 0.00002; ESP Exome Variant Server 0.00008.
gnomAD v4.1: 6 of 1,613,852 alleles (0.00037%); highest among the groups gnomAD compares: African/African-American, 0.0027%; no homozygotes.

Submissions (3):

Labcorp Genetics (formerly Invitae), Labcorp
Classification: Likely benign for Pheochromocytoma/paraganglioma syndrome 5; Mitochondrial complex II deficiency, nuclear type 1. Last evaluated: 2026-01-13. Review status: criteria provided, single submitter. Criteria: Invitae Variant Classification Sherloc (09022015). Collection method: clinical testing. Allele origin: germline.

Myriad Genetics, Inc.
Classification: Benign for Pheochromocytoma/paraganglioma syndrome 5. Last evaluated: 2025-03-07. Review status: criteria provided, single submitter. Criteria: Myriad Autosomal Dominant, Autosomal Recessive and X-Linked Classification Criteria (2023). Collection method: clinical testing. Allele origin: unknown.
Comment: This variant is considered benign. This variant is a silent/synonymous amino acid change and it is not expected to impact splicing.

Ambry Genetics
Classification: Likely benign for Hereditary cancer-predisposing syndrome. Last evaluated: 2019-11-19. Review status: criteria provided, single submitter. Criteria: Ambry Variant Classification Scheme 2023. Collection method: clinical testing. Allele origin: germline.